The following is an entry in ClinVar:

ClinVar aggregate classification (germline): Uncertain significance (1 of 4 stars; one submission).

Submission:

Labcorp Genetics (formerly Invitae), Labcorp
Classification: Uncertain significance. Last evaluated: 2023-12-02. Review status: criteria provided, single submitter. Criteria: Invitae Variant Classification Sherloc (09022015). Collection method: clinical testing. Allele origin: germline.
Comment: This sequence change replaces threonine, which is neutral and polar, with isoleucine, which is neutral and non-polar, at codon 585 of the DNM1L protein (p.Thr585Ile). This variant is not present in population databases (gnomAD no frequency). This variant has not been reported in the literature in individuals affected with DNM1L-related conditions. An algorithm developed to predict the effect of missense changes on protein structure and function (PolyPhen-2) suggests that this variant is likely to be tolerated. In summary, the available evidence is currently insufficient to determine the role of this variant in disease. Therefore, it has been classified as a Variant of Uncertain Significance.

NM_012062.5(DNM1L):c.1754C>T (p.Thr585Ile)

Gene: DNM1L (dynamin 1 like; plus strand). Cytogenetic location: 12p11.21.
Variant type: single nucleotide variant.
Coding change: c.1754C>T on transcript NM_012062.5 (MANE Select); coding-DNA position 1754, C replaced by T.
Protein change: p.Thr585Ile; replaces threonine 585 with isoleucine.
Molecular consequence: missense variant.
Genome position (GRCh38, 1-based): chr12:32,740,110, C>T. VCF-style: chr12-32740110-C-T. GRCh37 (hg19) VCF-style: chr12-32893044-C-T.
Other names: c.1721C>T, p.Thr574Ile (NM_001278463.2); c.1793C>T, p.Thr598Ile (NM_001278464.2); c.1760C>T, p.Thr587Ile (NM_001278465.2); c.1145C>T, p.Thr382Ile (NM_001278466.2); c.1682C>T, p.Thr561Ile (NM_001330380.2); c.1643C>T, p.Thr548Ile (NM_005690.5); c.1676C>T, p.Thr559Ile (NM_012063.4); short protein forms T548I, T561I, T587I, T574I, T559I, T585I, T598I, T382I.
Identifiers: ClinVar variation 2916074 (VCV002916074.3), dbSNP rs2541121220, ClinGen allele CA384362481.
Genomic context (GRCh38, chr12:32,740,110, plus strand): 5'-ACATGTTTTTTCAGGTTGCATCTGGAGGTGGTGGGGTTGGAGATGGTGTTCAAGAACCAA[C>T]CACAGGCAACTGGAGAGGAATGCTGAAAACTTCAAAAGCTGAAGAGTTATTAGCAGAAGA-3'
Protein context (NP_036192.2, residues 575-595): GGVGDGVQEP[Thr585Ile]TGNWRGMLKT